The following is an entry in ClinVar:

NM_001252024.2(TRPM1):c.2440-2A>G

Gene: TRPM1 (transient receptor potential cation channel subfamily M member 1; minus strand). Cytogenetic location: 15q13.3.
Variant type: single nucleotide variant.
Coding change: c.2440-2A>G on transcript NM_001252024.2 (MANE Select); the canonical splice acceptor site of the intron before coding-DNA position 2440, A replaced by G.
Molecular consequence: splice acceptor variant.
Genome position (GRCh38, 1-based): chr15:31,037,844, T>C on the plus strand (A>G on the coding strand, the complement: TRPM1 is on the minus strand). VCF-style: chr15-31037844-T-C. GRCh37 (hg19) VCF-style: chr15-31330047-T-C.
Other names: c.2491-2A>G (NM_001252020.2); c.2374-2A>G (NM_002420.6).
Identifiers: ClinVar variation 632227 (VCV000632227.12), dbSNP rs762634272, ClinGen allele CA7452189.

ClinVar aggregate classification (germline): Likely pathogenic. Review status: criteria provided, multiple submitters, no conflicts (2 of 4 stars). 2 submissions from 2 submitters: Likely pathogenic (2). Last evaluated 2024-01-17.

Conditions:
TRPM1-related disorder. Also called: TRPM1-related condition.

Allele frequency attached by ClinVar (database versions not stated): ExAC 0.00001; gnomAD 0.00001; gnomAD exomes 0.00001; TOPMed 0.00001.
gnomAD v4.1: 13 of 1,613,988 alleles (0.00081%); highest among the groups gnomAD compares: Non-Finnish European, 0.001%; no homozygotes.

Submissions (2):

Blueprint Genetics
Classification: Likely pathogenic for TRPM1-related disorders. Last evaluated: 2024-01-17. Review status: criteria provided, single submitter. Criteria: ACMG Guidelines, 2015. Collection method: clinical testing. Allele origin: germline. Affected: yes. Observed: 2 variant alleles.

Labcorp Genetics (formerly Invitae), Labcorp
Classification: Likely pathogenic. Last evaluated: 2020-02-11. Review status: criteria provided, single submitter. Criteria: Invitae Variant Classification Sherloc (09022015). Collection method: clinical testing. Allele origin: germline.
Comment: This sequence change affects an acceptor splice site in intron 18 of the TRPM1 gene. It is expected to disrupt RNA splicing and likely results in an absent or disrupted protein product. This variant is present in population databases (rs762634272, ExAC 0.002%). This variant has not been reported in the literature in individuals with TRPM1-related conditions. ClinVar contains an entry for this variant (Variation ID: 632227). Algorithms developed to predict the effect of sequence changes on RNA splicing suggest that this variant may disrupt the consensus splice site, but this prediction has not been confirmed by published transcriptional studies. Donor and acceptor splice site variants typically lead to a loss of protein function (PMID: 16199547), and loss-of-function variants in TRPM1 are known to be pathogenic (PMID: 19896113, 19966281, 20300565). In summary, the currently available evidence indicates that the variant is pathogenic, but additional data are needed to prove that conclusively. Therefore, this variant has been classified as Likely Pathogenic.

Literature cited by the submitters: PubMed 16199547 (cited by Labcorp Genetics (formerly Invitae), Labcorp); PubMed 19896113 (cited by Labcorp Genetics (formerly Invitae), Labcorp); PubMed 19966281 (cited by Labcorp Genetics (formerly Invitae), Labcorp); PubMed 20300565 (cited by Labcorp Genetics (formerly Invitae), Labcorp).